The following is an entry in ClinVar:

NM_001243925.2(MAPKAPK3):c.754C>T (p.Pro252Ser)

Gene: MAPKAPK3 (MAPK activated protein kinase 3; plus strand). Cytogenetic location: 3p21.2.
Variant type: single nucleotide variant.
Coding change: c.754C>T on transcript NM_001243925.2 (MANE Select); coding-DNA position 754, C replaced by T.
Protein change: p.Pro252Ser; replaces proline 252 with serine.
Molecular consequence: missense variant.
Genome position (GRCh38, 1-based): chr3:50,646,189, C>T. VCF-style: chr3-50646189-C-T. GRCh37 (hg19) VCF-style: chr3-50683620-C-T.
Other names: c.754C>T, p.Pro252Ser (NM_001243926.2, NM_004635.5); short protein forms P252S.
Identifiers: ClinVar variation 3643794 (VCV003643794.2).

ClinVar aggregate classification (germline): Uncertain significance (1 of 4 stars; one submission).

gnomAD v4.1: 7 of 1,614,192 alleles (0.00043%); highest among the groups gnomAD compares: Non-Finnish European, 0.00059%; no homozygotes.

Submission:

Labcorp Genetics (formerly Invitae), Labcorp
Classification: Uncertain significance. Last evaluated: 2024-03-01. Review status: criteria provided, single submitter. Criteria: Invitae Variant Classification Sherloc (09022015). Collection method: clinical testing. Allele origin: germline.
Comment: This sequence change replaces proline, which is neutral and non-polar, with serine, which is neutral and polar, at codon 252 of the MAPKAPK3 protein (p.Pro252Ser). This variant is present in population databases (no rsID available, gnomAD 0.0009%). This variant has not been reported in the literature in individuals affected with MAPKAPK3-related conditions. An algorithm developed to predict the effect of missense changes on protein structure and function (PolyPhen-2) suggests that this variant is likely to be tolerated. In summary, the available evidence is currently insufficient to determine the role of this variant in disease. Therefore, it has been classified as a Variant of Uncertain Significance.